The following is an entry in ClinVar:

NM_001082486.2(ACD):c.893C>A (p.Pro298His)

Gene: ACD (ACD shelterin complex subunit and telomerase recruitment factor; minus strand). Cytogenetic location: 16q22.1.
Variant type: single nucleotide variant.
Coding change: c.893C>A on transcript NM_001082486.2 (MANE Select); coding-DNA position 893, C replaced by A.
Protein change: p.Pro298His; replaces proline 298 with histidine.
Molecular consequence: missense variant.
Genome position (GRCh38, 1-based): chr16:67,658,299, G>T on the plus strand (C>A on the coding strand, the complement: ACD is on the minus strand). VCF-style: chr16-67658299-G-T. GRCh37 (hg19) VCF-style: chr16-67692202-G-T.
Other names: c.806C>A, p.Pro269His (NM_001410884.1); c.884C>A, p.Pro295His (NM_022914.3); short protein forms P269H, P298H, P295H.
Identifiers: ClinVar variation 3480344 (VCV003480344.1).

ClinVar aggregate classification (germline): Uncertain significance (1 of 4 stars; one submission).

Conditions:
Inborn genetic diseases. Identifiers: MedGen C0950123, MeSH D030342.

gnomAD v4.1: 1 of 1,613,896 alleles (0.000062%); highest among the groups gnomAD compares: Non-Finnish European, 0.000085%; no homozygotes.

Submission:

Ambry Genetics
Classification: Uncertain significance for Inborn genetic diseases. Last evaluated: 2024-10-05. Review status: criteria provided, single submitter. Criteria: Ambry Variant Classification Scheme 2023. Collection method: clinical testing. Allele origin: germline.
Comment: The p.P384H variant (also known as c.1151C>A), located in coding exon 10 of the ACD gene, results from a C to A substitution at nucleotide position 1151. The proline at codon 384 is replaced by histidine, an amino acid with similar properties. This amino acid position is conserved. In addition, this alteration is predicted to be tolerated by in silico analysis. Based on the available evidence, the clinical significance of this variant remains unclear.